The following is an entry in ClinVar:

ClinVar aggregate classification (germline): Likely benign (1 of 4 stars; one submission).

Submission:

CeGaT Center for Human Genetics Tuebingen
Classification: Likely benign. Last evaluated: 2024-03-01. Review status: criteria provided, single submitter. Criteria: CeGaT Center For Human Genetics Tuebingen Variant Classification Criteria Version 2. Collection method: clinical testing. Allele origin: germline. Affected: yes. Observed: 1 variant allele.
Comment: MUC19: BP4, BP7

NC_000012.12:g.40490410A>T

Gene: MUC19 (mucin 19, oligomeric (gene/pseudogene); plus strand). Cytogenetic location: 12q12.
Variant type: single nucleotide variant.
Genome position: GRCh38 VCF-style: chr12-40490410-A-T. GRCh37 (hg19) VCF-style: chr12-40884212-A-T.
Identifiers: ClinVar variation 3067355 (VCV003067355.21), dbSNP rs79690920, ClinGen allele CA235380040.